The following is an entry in ClinVar:

ClinVar aggregate classification (germline): Likely benign. Review status: criteria provided, single submitter (1 of 4 stars). 2 submissions from 2 submitters: Likely benign (1). 1 of the submissions does not count toward it. Last evaluated 2025-04-21.

Conditions:
GRHL2-related disorder. Also called: GRHL2-related condition; GRHL2-related disorders.

Allele frequency attached by ClinVar (database versions not stated): ExAC 0.00011; gnomAD exomes 0.00012 and 0.00018; TOPMed 0.00014; gnomAD 0.00022 and 0.00023.
gnomAD v4.1: 283 of 1,606,436 alleles (0.018%); highest among the groups gnomAD compares: Admixed American, 0.052%; no homozygotes.

Submissions (2):

Labcorp Genetics (formerly Invitae), Labcorp
Classification: Likely benign. Last evaluated: 2025-04-21. Review status: criteria provided, single submitter. Criteria: Invitae Variant Classification Sherloc (09022015). Collection method: clinical testing. Allele origin: germline.

PreventionGenetics, part of Exact Sciences
Classification: Likely benign for GRHL2-related condition. Last evaluated: 2019-10-31. Review status: no assertion criteria provided. Collection method: clinical testing. Allele origin: germline. Not counted in ClinVar's aggregate classification.
Comment: This variant is classified as likely benign based on ACMG/AMP sequence variant interpretation guidelines (Richards et al. 2015 PMID: 25741868, with internal and published modifications).

NM_024915.4(GRHL2):c.1698+7C>T

Gene: GRHL2 (grainyhead like transcription factor 2; plus strand). Cytogenetic location: 8q22.3.
Variant type: single nucleotide variant.
Coding change: c.1698+7C>T on transcript NM_024915.4 (MANE Select); 7 bases into the intron after coding-DNA position 1698, C replaced by T.
Molecular consequence: intron variant.
Genome position (GRCh38, 1-based): chr8:101,649,506, C>T. VCF-style: chr8-101649506-C-T. GRCh37 (hg19) VCF-style: chr8-102661734-C-T.
Other names: c.1650+7C>T (NM_001330593.2).
Identifiers: ClinVar variation 730309 (VCV000730309.8), dbSNP rs199657203, ClinGen allele CA4830667.